The following is an entry in ClinVar:

ClinVar aggregate classification (germline): Uncertain significance (1 of 4 stars; one submission).

gnomAD v4.1: 1 of 1,612,114 alleles (0.000062%); highest among the groups gnomAD compares: African/African-American, 0.0013%; no homozygotes.

Submission:

Ambry Genetics
Classification: Uncertain significance. Last evaluated: 2023-04-06. Review status: criteria provided, single submitter. Criteria: Ambry Variant Classification Scheme 2023. Collection method: clinical testing. Allele origin: germline.
Comment: The p.P1056S variant (also known as c.3166C>T), located in coding exon 16 of the POLQ gene, results from a C to T substitution at nucleotide position 3166. The proline at codon 1056 is replaced by serine, an amino acid with similar properties. This amino acid position is conserved. In addition, this alteration is predicted to be tolerated by in silico analysis. Since supporting evidence is limited at this time, the clinical significance of this alteration remains unclear.

NM_199420.4(POLQ):c.3166C>T (p.Pro1056Ser)

Gene: POLQ (DNA polymerase theta; minus strand). Cytogenetic location: 3q13.33.
Variant type: single nucleotide variant.
Coding change: c.3166C>T on transcript NM_199420.4 (MANE Select); coding-DNA position 3166, C replaced by T.
Protein change: p.Pro1056Ser; replaces proline 1056 with serine.
Molecular consequence: missense variant.
Genome position (GRCh38, 1-based): chr3:121,489,765, G>A on the plus strand (C>T on the coding strand, the complement: POLQ is on the minus strand). VCF-style: chr3-121489765-G-A. GRCh37 (hg19) VCF-style: chr3-121208612-G-A.
Other names: short protein forms P1056S.
Identifiers: ClinVar variation 2563787 (VCV002563787.2), dbSNP rs1175087034, ClinGen allele CA354101462.